The following is an entry in ClinVar:

NM_016239.4(MYO15A):c.4807C>T (p.Leu1603=)

Gene: MYO15A (myosin XVA; plus strand). Cytogenetic location: 17p11.2.
Variant type: single nucleotide variant.
Coding change: c.4807C>T on transcript NM_016239.4 (MANE Select); coding-DNA position 4807, C replaced by T.
Protein change: p.Leu1603=; no amino-acid change (leucine 1603 retained).
Molecular consequence: synonymous variant.
Genome position (GRCh38, 1-based): chr17:18,137,611, C>T. VCF-style: chr17-18137611-C-T. GRCh37 (hg19) VCF-style: chr17-18040925-C-T.
Identifiers: ClinVar variation 504631 (VCV000504631.14), dbSNP rs368865502, ClinGen allele CA8424044.
Genomic context (GRCh38, chr17:18,137,611, plus strand): 5'-GGACCAGTCCCAGCACCCCCATCCACCTGGCAGGACCTGAGCTTCAACAGCTTTGAGCAG[C>T]TGTGTATTAACTACGCAAACGAGAACCTTCAGTACCTTTTCAACAAGATCGTCTTCCAGG-3'
Protein context (NP_057323.3, residues 1593-1613): EDLSFNSFEQ[Leu1603=]CINYANENLQ

ClinVar aggregate classification (germline): Conflicting classifications of pathogenicity. Review status: criteria provided, conflicting classifications (1 of 4 stars). 5 submissions from 5 submitters: Uncertain significance (2); Likely benign (3). Last evaluated 2026-05-26.

Conditions:
MYO15A-related disorder. Also called: MYO15A-related condition.
Autosomal recessive nonsyndromic hearing loss 3. Also called: NEUROSENSORY NONSYNDROMIC RECESSIVE DEAFNESS 3. Identifiers: Orphanet 90636, MedGen C1838263, MONDO:0010860, OMIM 600316.

Allele frequency attached by ClinVar (database versions not stated): TOPMed 0.00006; gnomAD 0.00007 and 0.00008; ESP Exome Variant Server 0.00008; gnomAD exomes 0.00010 and 0.00011; ExAC 0.00013.
gnomAD v4.1: 166 of 1,613,968 alleles (0.01%); highest among the groups gnomAD compares: Non-Finnish European, 0.013%; no homozygotes.

Submissions (5):

PreventionGenetics, part of Exact Sciences
Classification: Likely benign for MYO15A-related condition. Last evaluated: 2026-05-26. Review status: criteria provided, single submitter. Criteria: ACMG Guidelines, 2015. Collection method: clinical testing. Allele origin: germline.
Comment: This variant is classified as likely benign based on ACMG/AMP sequence variant interpretation guidelines (Richards et al. 2015 PMID: 25741868, with internal and published modifications).

Labcorp Genetics (formerly Invitae), Labcorp
Classification: Likely benign. Last evaluated: 2025-09-07. Review status: criteria provided, single submitter. Criteria: Invitae Variant Classification Sherloc (09022015). Collection method: clinical testing. Allele origin: germline.

GeneDx
Classification: Uncertain significance. Last evaluated: 2024-10-07. Review status: criteria provided, single submitter. Criteria: GeneDx Variant Classification Process June 2021. Collection method: clinical testing. Allele origin: germline. Affected: yes.
Comment: In silico analysis indicates that this variant does not alter splicing; Has not been previously published as pathogenic or benign to our knowledge

Illumina Laboratory Services, Illumina
Classification: Uncertain significance for Autosomal recessive nonsyndromic hearing loss 3. Last evaluated: 2018-01-13. Review status: criteria provided, single submitter. Criteria: ICSL Variant Classification Criteria 13 December 2019. Collection method: clinical testing. Allele origin: germline.

Laboratory for Molecular Medicine, Mass General Brigham Personalized Medicine
Classification: Likely benign. Last evaluated: 2012-04-30. Review status: criteria provided, single submitter. Criteria: LMM Criteria. Collection method: clinical testing. Allele origin: germline. Observed: 1 variant allele.
Comment: p.Leu1603Leu in exon 16 of MYO15A: This variant is not expected to have clinical significance because it does not alter an amino acid residue and is not located within the splice consensus sequence. It has been identified in 15/66284 Europ ean chromosomes by the Exome Aggregation Consortium (ExAC; dbSNP rs368865502).